The following is an entry in ClinVar:

NM_003265.3(TLR3):c.1378G>A (p.Glu460Lys)

Gene: TLR3 (toll like receptor 3; plus strand). Cytogenetic location: 4q35.1.
Variant type: single nucleotide variant.
Coding change: c.1378G>A on transcript NM_003265.3 (MANE Select); coding-DNA position 1378, G replaced by A.
Protein change: p.Glu460Lys; replaces glutamic acid 460 with lysine.
Molecular consequence: missense variant.
Genome position (GRCh38, 1-based): chr4:186,083,064, G>A. VCF-style: chr4-186083064-G-A. GRCh37 (hg19) VCF-style: chr4-187004218-G-A.
Other names: short protein forms E460K.
Identifiers: ClinVar variation 639925 (VCV000639925.9), dbSNP rs144550375, ClinGen allele CA3161401.
Genomic context (GRCh38, chr4:186,083,064, plus strand): 5'-CTTAATGAAATTGGGCAAGAACTCACAGGCCAGGAATGGAGAGGTCTAGAAAATATTTTC[G>A]AAATCTATCTTTCCTACAACAAGTACCTGCAGCTGACTAGGAACTCCTTTGCCTTGGTCC-3'
Protein context (NP_003256.1, residues 450-470): QEWRGLENIF[Glu460Lys]IYLSYNKYLQ

ClinVar aggregate classification (germline): Uncertain significance (1 of 4 stars; one submission).

Conditions:
Encephalopathy, acute, infection-induced (herpes-specific), susceptibility to, 1. Also called: Herpes simplex encephalitis, susceptibility to, 1. Identifiers: Orphanet 1930, MedGen C2750180, MONDO:0024563, OMIM 610551.

Allele frequency attached by ClinVar (database versions not stated): gnomAD exomes 0.00004 and 0.00002; ExAC 0.00005; gnomAD 0.00006 and 0.00005; TOPMed 0.00007; ESP Exome Variant Server 0.00015; 1000 Genomes Project 30x 0.00016; 1000 Genomes Project 0.00020.
gnomAD v4.1: 36 of 1,614,078 alleles (0.0022%); highest among the groups gnomAD compares: African/African-American, 0.024%; no homozygotes.

Submission:

Labcorp Genetics (formerly Invitae), Labcorp
Classification: Uncertain significance for Encephalopathy, acute, infection-induced (herpes-specific), susceptibility to, 1. Last evaluated: 2026-01-24. Review status: criteria provided, single submitter. Criteria: Invitae Variant Classification Sherloc (09022015). Collection method: clinical testing. Allele origin: germline.
Comment: This sequence change replaces glutamic acid, which is acidic and polar, with lysine, which is basic and polar, at codon 460 of the TLR3 protein (p.Glu460Lys). This variant is present in population databases (rs144550375, gnomAD 0.03%). This variant has not been reported in the literature in individuals affected with TLR3-related conditions. ClinVar contains an entry for this variant (Variation ID: 639925). An algorithm developed to predict the effect of missense changes on protein structure and function (PolyPhen-2) suggests that this variant is likely to be tolerated. In summary, the available evidence is currently insufficient to determine the role of this variant in disease. Therefore, it has been classified as a Variant of Uncertain Significance.